The following is an entry in ClinVar:

ClinVar aggregate classification (germline): Uncertain significance (1 of 4 stars; one submission).

Conditions:
SOX9-related disorder. Also called: SOX9-related condition.

Submission:

PreventionGenetics, part of Exact Sciences
Classification: Uncertain significance for SOX9-related condition. Last evaluated: 2023-09-25. Review status: criteria provided, single submitter. Criteria: ACMG Guidelines, 2015. Collection method: clinical testing. Allele origin: germline.
Comment: The SOX9 c.310C>G variant is predicted to result in the amino acid substitution p.His104Asp. To our knowledge, this variant has not been reported in the literature or in a large population database, indicating this variant is rare. At this time, the clinical significance of this variant is uncertain due to the absence of conclusive functional and genetic evidence.

NM_000346.4(SOX9):c.310C>G (p.His104Asp)

Genes: SOX9 (SRY-box transcription factor 9; plus strand), LOC108021846 (SOX9 promoter region; plus strand). Cytogenetic location: 17q24.3.
Variant type: single nucleotide variant.
Coding change: c.310C>G on transcript NM_000346.4 (MANE Select); coding-DNA position 310, C replaced by G.
Protein change: p.His104Asp; replaces histidine 104 with aspartic acid.
Molecular consequence: missense variant.
Genome position (GRCh38, 1-based): chr17:72,121,701, C>G. VCF-style: chr17-72121701-C-G. GRCh37 (hg19) VCF-style: chr17-70117842-C-G.
Other names: short protein forms H104D.
Identifiers: ClinVar variation 2630717 (VCV002630717.1), dbSNP rs2143239707, ClinGen allele CA400865982.